The following is an entry in ClinVar:

NM_005228.5(EGFR):c.2520C>A (p.Ala840=)

Gene: EGFR (epidermal growth factor receptor; plus strand). Cytogenetic location: 7p11.2.
Variant type: single nucleotide variant.
Coding change: c.2520C>A on transcript NM_005228.5 (MANE Select); coding-DNA position 2520, C replaced by A.
Protein change: p.Ala840=; no amino-acid change (alanine 840 retained).
Molecular consequence: synonymous variant.
Genome position (GRCh38, 1-based): chr7:55,191,769, C>A. VCF-style: chr7-55191769-C-A. GRCh37 (hg19) VCF-style: chr7-55259462-C-A.
Other names: c.2385C>A, p.Ala795= (NM_001346897.2, NM_001346899.2); c.2520C>A, p.Ala840= (NM_001346898.2); c.2361C>A, p.Ala787= (NM_001346900.2); c.1719C>A, p.Ala573= (NM_001346941.2).
Identifiers: ClinVar variation 3773279 (VCV003773279.4).

ClinVar aggregate classification (germline): Benign/Likely benign. Review status: criteria provided, multiple submitters, no conflicts (2 of 4 stars). 4 submissions from 4 submitters: Benign (1); Likely benign (3). Last evaluated 2026-01-24.

Conditions:
EGFR-related lung cancer (EGFR). Identifiers: MedGen CN130014.
Lung cancer. Also called: Lung cancer, somatic; Malignant tumor of lung. Identifiers: MedGen C0242379, MONDO:0008903, OMIM 211980.
Hereditary cancer-predisposing syndrome. Also called: Tumor predisposition; Hereditary Cancer Syndrome; Hereditary neoplastic syndrome; Neoplastic Syndromes, Hereditary. Identifiers: Orphanet 140162, MedGen C0027672, MeSH D009386, MONDO:0015356.

Submissions (4):

Labcorp Genetics (formerly Invitae), Labcorp
Classification: Likely benign for EGFR-related lung cancer. Last evaluated: 2026-01-24. Review status: criteria provided, single submitter. Criteria: Invitae Variant Classification Sherloc (09022015). Collection method: clinical testing. Allele origin: germline.

Ambry Genetics
Classification: Likely benign for Hereditary cancer-predisposing syndrome. Last evaluated: 2025-12-13. Review status: criteria provided, single submitter. Criteria: Ambry Variant Classification Scheme 2023. Collection method: clinical testing. Allele origin: germline.

Myriad Genetics, Inc.
Classification: Benign for Lung cancer. Last evaluated: 2024-10-17. Review status: criteria provided, single submitter. Criteria: Myriad Autosomal Dominant, Autosomal Recessive and X-Linked Classification Criteria (2023). Collection method: clinical testing. Allele origin: unknown.
Comment: This variant is considered benign. This variant is a silent/synonymous amino acid change and it is not expected to impact splicing.

Blueprint Genetics
Classification: Likely benign. Last evaluated: 2024-04-16. Review status: criteria provided, single submitter. Criteria: ACMG Guidelines, 2015. Collection method: clinical testing. Allele origin: germline.